The following is an entry in ClinVar:

ClinVar aggregate classification (germline): Uncertain significance (1 of 4 stars; one submission).

gnomAD v4.1: 1 of 1,584,178 alleles (0.000063%); no homozygotes.

Submission:

GeneDx
Classification: Uncertain significance. Last evaluated: 2019-08-12. Review status: criteria provided, single submitter. Criteria: GeneDx Variant Classification Process June 2021. Collection method: clinical testing. Allele origin: germline. Affected: yes.
Comment: Not observed in large population cohorts (Lek et al., 2016); In silico analysis, which includes protein predictors and evolutionary conservation, supports a deleterious effect; Has not been previously published as pathogenic or benign to our knowledge

NM_001329943.3(KIAA0586):c.2602A>G (p.Thr868Ala)

Gene: KIAA0586 (KIAA0586; plus strand). Cytogenetic location: 14q23.1.
Variant type: single nucleotide variant.
Coding change: c.2602A>G on transcript NM_001329943.3 (MANE Select); coding-DNA position 2602, A replaced by G.
Protein change: p.Thr868Ala; replaces threonine 868 with alanine.
Molecular consequence: missense variant.
Genome position (GRCh38, 1-based): chr14:58,472,247, A>G. VCF-style: chr14-58472247-A-G. GRCh37 (hg19) VCF-style: chr14-58938965-A-G.
Other names: c.2761A>G, p.Thr921Ala (NM_001244189.2); c.2557A>G, p.Thr853Ala (NM_001244190.2); c.2347A>G, p.Thr783Ala (NM_001244191.2, NM_001329945.2, NM_001364700.1 and 1 more transcripts); c.2470A>G, p.Thr824Ala (NM_001244192.2); c.2182A>G, p.Thr728Ala (NM_001244193.2); c.2602A>G, p.Thr868Ala (NM_001329944.2, NM_001329946.2, NM_001329947.2); c.2374A>G, p.Thr792Ala (NM_014749.5); short protein forms T728A, T783A, T792A, T824A, T853A, T868A, T921A.
Identifiers: ClinVar variation 1307562 (VCV001307562.2), dbSNP rs2141002550, ClinGen allele CA389877194.